The following is an entry in ClinVar:

NM_002047.4(GARS1):c.1743G>C (p.Leu581=)

Gene: GARS1 (glycyl-tRNA synthetase 1; plus strand). Cytogenetic location: 7p14.3.
Variant type: single nucleotide variant.
Coding change: c.1743G>C on transcript NM_002047.4 (MANE Select); coding-DNA position 1743, G replaced by C.
Protein change: p.Leu581=; no amino-acid change (leucine 581 retained).
Molecular consequence: synonymous variant.
Genome position (GRCh38, 1-based): chr7:30,628,603, G>C. VCF-style: chr7-30628603-G-C. GRCh37 (hg19) VCF-style: chr7-30668219-G-C.
Other names: c.1581G>C, p.Leu527= (NM_001316772.1); c.1743G>C (NM_002047.3).
Identifiers: ClinVar variation 705450 (VCV000705450.12), dbSNP rs370844461, ClinGen allele CA4206064.

ClinVar aggregate classification (germline): Likely benign. Review status: criteria provided, multiple submitters, no conflicts (2 of 4 stars). 3 submissions from 3 submitters: Likely benign (3). Last evaluated 2025-03-30.

Conditions:
GARS1-related disorder. Also called: GARS1-related condition.
Charcot-Marie-Tooth disease type 2. Also called: Charcot-Marie-Tooth type 2. Identifiers: Orphanet 64746, MedGen C0270914, MONDO:0018993.
Charcot-Marie-Tooth disease. Also called: Charcot-Marie-Tooth Hereditary Neuropathy; Charcot-Marie-Tooth Neuropathy. Identifiers: Orphanet 166, MedGen C0007959, MONDO:0015626.

Allele frequency attached by ClinVar (database versions not stated): gnomAD exomes 0.00001 and 0.00004; ExAC 0.00006; gnomAD 0.00013 and 0.00014; TOPMed 0.00015; 1000 Genomes Project 30x 0.00016; 1000 Genomes Project 0.00020; ESP Exome Variant Server 0.00033.
gnomAD v4.1: 33 of 1,613,084 alleles (0.002%); highest among the groups gnomAD compares: African/African-American, 0.043%; no homozygotes.

Submissions (4):

PreventionGenetics, part of Exact Sciences
Classification: Likely benign for GARS1-related condition. Last evaluated: 2025-03-30. Review status: criteria provided, single submitter. Criteria: ACMG Guidelines, 2015. Collection method: clinical testing. Allele origin: germline.
Comment: This variant is classified as likely benign based on ACMG/AMP sequence variant interpretation guidelines (Richards et al. 2015 PMID: 25741868, with internal and published modifications).

Labcorp Genetics (formerly Invitae), Labcorp
Classification: Likely benign for Charcot-Marie-Tooth disease type 2. Last evaluated: 2024-10-03. Review status: criteria provided, single submitter. Criteria: Invitae Variant Classification Sherloc (09022015). Collection method: clinical testing. Allele origin: germline.

Molecular Genetics Laboratory, London Health Sciences Centre
Classification: Likely benign for Charcot-Marie-Tooth disease. Review status: criteria provided, single submitter. Criteria: ACMG Guidelines, 2015. Collection method: clinical testing. Allele origin: germline. Affected: yes.

Dr. Peter K. Rogan Lab, Western University
No classification provided (evidence only). Condition: Familial cancer of breast. Review status: no classification provided. Collection method: in vitro. Allele origin: not applicable. Functional consequence: retained intron. Not counted in ClinVar's aggregate classification.